The following is an entry in ClinVar:

ClinVar aggregate classification (germline): Uncertain significance. Review status: criteria provided, multiple submitters, no conflicts (2 of 4 stars). 2 submissions from 2 submitters: Uncertain significance (2). Last evaluated 2025-07-08.

Allele frequency attached by ClinVar (database versions not stated): gnomAD exomes below 0.00001; ExAC 0.00001; TOPMed below 0.00001; gnomAD 0.00001.
gnomAD v4.1: 7 of 1,613,004 alleles (0.00043%); highest among the groups gnomAD compares: Non-Finnish European, 0.00051%; no homozygotes.

Submissions (2):

Labcorp Genetics (formerly Invitae), Labcorp
Classification: Uncertain significance. Last evaluated: 2025-07-08. Review status: criteria provided, single submitter. Criteria: Invitae Variant Classification Sherloc (09022015). Collection method: clinical testing. Allele origin: germline.
Comment: This sequence change affects codon 632 of the COL4A1 mRNA. It is a 'silent' change, meaning that it does not change the encoded amino acid sequence of the COL4A1 protein. It affects a nucleotide within the consensus splice site. This variant is present in population databases (rs776189533, gnomAD 0.003%). This variant has not been reported in the literature in individuals affected with COL4A1-related conditions. ClinVar contains an entry for this variant (Variation ID: 2731834). Algorithms developed to predict the effect of sequence changes on RNA splicing suggest that this variant may create or strengthen a splice site. In summary, the available evidence is currently insufficient to determine the role of this variant in disease. Therefore, it has been classified as a Variant of Uncertain Significance.

GeneDx
Classification: Uncertain significance. Last evaluated: 2024-12-19. Review status: criteria provided, single submitter. Criteria: GeneDx Variant Classification Process June 2021. Collection method: clinical testing. Allele origin: germline. Affected: yes.
Comment: Has not been previously published as pathogenic or benign to our knowledge; In silico analysis suggests this variant may impact gene splicing. In the absence of RNA/functional studies, the actual effect of this sequence change is unknown.

NM_001845.6(COL4A1):c.1896A>G (p.Pro632=)

Gene: COL4A1 (collagen type IV alpha 1 chain; minus strand). Cytogenetic location: 13q34.
Variant type: single nucleotide variant.
Coding change: c.1896A>G on transcript NM_001845.6 (MANE Select); coding-DNA position 1896, A replaced by G.
Protein change: p.Pro632=; no amino-acid change (proline 632 retained).
Molecular consequence: synonymous variant.
Genome position (GRCh38, 1-based): chr13:110,186,386, T>C on the plus strand (A>G on the coding strand, the complement: COL4A1 is on the minus strand). VCF-style: chr13-110186386-T-C. GRCh37 (hg19) VCF-style: chr13-110838733-T-C.
Other names: c.1896A>G (NM_001845.4).
Identifiers: ClinVar variation 2731834 (VCV002731834.4), dbSNP rs776189533, ClinGen allele CA7047805.